The following is an entry in ClinVar:

ClinVar aggregate classification (germline): Pathogenic (1 of 4 stars; one submission).

Submission:

GeneDx
Classification: Pathogenic. Last evaluated: 2019-01-28. Review status: criteria provided, single submitter. Criteria: GeneDx Variant Classification (06012015). Collection method: clinical testing. Allele origin: germline. Affected: yes.
Comment: The W242X nonsense variant in the PGAP3 gene has not been published as a pathogenic variant, nor has it been reported as a benign variant to our knowledge. This variant is predicted to cause loss of normal protein function either through protein truncation or nonsense-mediated mRNA decay. The W242X variant is not observed in large population cohorts (Lek et al., 2016). We interpret W242X as a pathogenic variant.

NM_033419.5(PGAP3):c.726G>A (p.Trp242Ter)

Gene: PGAP3 (post-GPI attachment to proteins phospholipase 3; minus strand). Cytogenetic location: 17q12.
Variant type: single nucleotide variant.
Coding change: c.726G>A on transcript NM_033419.5 (MANE Select); coding-DNA position 726, G replaced by A.
Protein change: p.Trp242Ter; replaces tryptophan 242 with a stop codon.
Molecular consequence: nonsense. On other transcripts: intron variant (3).
Genome position (GRCh38, 1-based): chr17:39,673,224, C>T on the plus strand (G>A on the coding strand, the complement: PGAP3 is on the minus strand). VCF-style: chr17-39673224-C-T. GRCh37 (hg19) VCF-style: chr17-37829477-C-T.
Other names: c.573G>A, p.Trp191Ter (NM_001291726.2); c.663G>A, p.Trp221Ter (NM_001291728.2); c.433-358G>A (NM_001291733.2); c.495-358G>A (NM_001291732.2); c.558-358G>A (NM_001291730.2); short protein forms W242*, W191*, W221*.
Identifiers: ClinVar variation 620568 (VCV000620568.1), dbSNP rs1567870911, ClinGen allele CA399320370.
Genomic context (GRCh38, chr17:39,673,224, plus strand): 5'-CAGCAAGACCACCACCACGCACTTGCGCACGTGAGGCAGCCGCCGCTGGTTCCACAGGCA[C>T]CAGGCCAGCCACCACACCACGTTGACCAGGCCTGGGTGCCAGTGGGGGCAGGAGAGACTC-3'